The following is an entry in ClinVar:

NM_001372.4(DNAH9):c.6313C>T (p.Arg2105Trp)

Gene: DNAH9 (dynein axonemal heavy chain 9; plus strand). Cytogenetic location: 17p12.
Variant type: single nucleotide variant.
Coding change: c.6313C>T on transcript NM_001372.4 (MANE Select); coding-DNA position 6313, C replaced by T.
Protein change: p.Arg2105Trp; replaces arginine 2105 with tryptophan.
Molecular consequence: missense variant.
Genome position (GRCh38, 1-based): chr17:11,744,998, C>T. VCF-style: chr17-11744998-C-T. GRCh37 (hg19) VCF-style: chr17-11648315-C-T.
Other names: p.Arg2105Trp; c.6313C>T (NM_001372.3); short protein forms R2105W.
Identifiers: ClinVar variation 1416282 (VCV001416282.7), dbSNP rs200776116, ClinGen allele CA8396272.
Genomic context (GRCh38, chr17:11,744,998, plus strand): 5'-GATGACATGCCCATCTTCATGGGCCTGATCGGGGACCTCTTTCCCGCCCTGGATGTCCCC[C>T]GGAGGAGAGACCCCAACTTCGAAGCTTTGGTTAGGAAGGCGATAGTGGATCTGAAGCTCC-3'
Protein context (NP_001363.2, residues 2095-2115): GDLFPALDVP[Arg2105Trp]RRDPNFEALV

ClinVar aggregate classification (germline): Uncertain significance. Review status: criteria provided, multiple submitters, no conflicts (2 of 4 stars). 4 submissions from 4 submitters: Uncertain significance (4). Last evaluated 2025-10-21.

Conditions:
DNAH9-related disorder. Also called: DNAH9-related condition.
Inborn genetic diseases. Identifiers: MedGen C0950123, MeSH D030342.

Allele frequency attached by ClinVar (database versions not stated): gnomAD 0.00005; ESP Exome Variant Server 0.00008; TOPMed 0.00009.
gnomAD v4.1: 124 of 1,613,894 alleles (0.0077%); highest among the groups gnomAD compares: Admixed American, 0.013%; no homozygotes.

Submissions (4):

PreventionGenetics, part of Exact Sciences
Classification: Uncertain significance for DNAH9-related condition. Last evaluated: 2025-10-21. Review status: criteria provided, single submitter. Criteria: ACMG Guidelines, 2015. Collection method: clinical testing. Allele origin: germline.
Comment: The DNAH9 c.6313C>T variant is predicted to result in the amino acid substitution p.Arg2105Trp. To our knowledge, this variant has not been reported in the literature. This variant is reported in 0.017% of alleles in individuals of Latino descent in gnomAD. At this time, the clinical significance of this variant is uncertain due to the absence of conclusive functional and genetic evidence.

Ambry Genetics
Classification: Uncertain significance for Inborn genetic diseases. Last evaluated: 2025-02-01. Review status: criteria provided, single submitter. Criteria: Ambry Variant Classification Scheme 2023. Collection method: clinical testing. Allele origin: germline.

Mayo Clinic Laboratories, Mayo Clinic
Classification: Uncertain significance. Last evaluated: 2023-10-31. Review status: criteria provided, single submitter. Criteria: ACMG Guidelines, 2015. Collection method: clinical testing. Allele origin: germline. Observed: 1 variant allele.
Comment: PM2

Labcorp Genetics (formerly Invitae), Labcorp
Classification: Uncertain significance. Last evaluated: 2022-07-06. Review status: criteria provided, single submitter. Criteria: Invitae Variant Classification Sherloc (09022015). Collection method: clinical testing. Allele origin: germline.
Comment: This sequence change replaces arginine, which is basic and polar, with tryptophan, which is neutral and slightly polar, at codon 2105 of the DNAH9 protein (p.Arg2105Trp). This variant is present in population databases (rs200776116, gnomAD 0.02%). This variant has not been reported in the literature in individuals affected with DNAH9-related conditions. ClinVar contains an entry for this variant (Variation ID: 1416282). Algorithms developed to predict the effect of missense changes on protein structure and function are either unavailable or do not agree on the potential impact of this missense change (SIFT: "Deleterious"; PolyPhen-2: "Probably Damaging"; Align-GVGD: "Class C0"). In summary, the available evidence is currently insufficient to determine the role of this variant in disease. Therefore, it has been classified as a Variant of Uncertain Significance.